The following is an entry in ClinVar:

ClinVar aggregate classification (germline): Uncertain significance. Review status: criteria provided, multiple submitters, no conflicts (2 of 4 stars). 3 submissions from 3 submitters: Uncertain significance (3). Last evaluated 2024-10-18.

Allele frequency attached by ClinVar (database versions not stated): gnomAD exomes 0.00002 and 0.00004; ExAC 0.00003; ESP Exome Variant Server 0.00008; gnomAD 0.00019 and 0.00021; TOPMed 0.00025; 1000 Genomes Project 0.00040; 1000 Genomes Project 30x 0.00047.

Submissions (3):

GeneDx
Classification: Uncertain significance. Last evaluated: 2024-10-18. Review status: criteria provided, single submitter. Criteria: GeneDx Variant Classification Process June 2021. Collection method: clinical testing. Allele origin: germline. Affected: yes.
Comment: In silico analysis indicates that this missense variant does not alter protein structure/function; Has not been previously published as pathogenic or benign to our knowledge

Women's Health and Genetics/Laboratory Corporation of America, LabCorp
Classification: Uncertain significance. Last evaluated: 2023-12-14. Review status: criteria provided, single submitter. Criteria: LabCorp Variant Classification Summary - May 2015. Collection method: clinical testing. Allele origin: germline.
Comment: Variant summary: BMP1 c.2438C>T (p.Ala813Val) results in a non-conservative amino acid change located in the CUB domain (IPR000859) of the encoded protein sequence. Three of five in-silico tools predict a benign effect of the variant on protein function. The variant allele was found at a frequency of 4.4e-05 in 251202 control chromosomes. This frequency is not significantly higher than estimated for a pathogenic variant in BMP1 causing Osteogenesis Imperfecta (4.4e-05 vs 0.0011), allowing no conclusion about variant significance. To our knowledge, no occurrence of c.2438C>T in individuals affected with Osteogenesis Imperfecta and no experimental evidence demonstrating its impact on protein function have been reported. One submitter has cited clinical-significance assessments for this variant to ClinVar after 2014 and has classified the variant as uncertain significance. Based on the evidence outlined above, the variant was classified as uncertain significance.

Labcorp Genetics (formerly Invitae), Labcorp
Classification: Uncertain significance. Last evaluated: 2022-10-20. Review status: criteria provided, single submitter. Criteria: Invitae Variant Classification Sherloc (09022015). Collection method: clinical testing. Allele origin: germline.
Comment: This sequence change replaces alanine, which is neutral and non-polar, with valine, which is neutral and non-polar, at codon 813 of the BMP1 protein (p.Ala813Val). This variant is present in population databases (rs140902180, gnomAD 0.07%). This variant has not been reported in the literature in individuals affected with BMP1-related conditions. ClinVar contains an entry for this variant (Variation ID: 1350714). Advanced modeling of protein sequence and biophysical properties (such as structural, functional, and spatial information, amino acid conservation, physicochemical variation, residue mobility, and thermodynamic stability) performed at Invitae indicates that this missense variant is not expected to disrupt BMP1 protein function. In summary, the available evidence is currently insufficient to determine the role of this variant in disease. Therefore, it has been classified as a Variant of Uncertain Significance.

NM_006129.5(BMP1):c.2438C>T (p.Ala813Val)

Gene: BMP1 (bone morphogenetic protein 1; plus strand). Cytogenetic location: 8p21.3.
Variant type: single nucleotide variant.
Coding change: c.2438C>T on transcript NM_006129.5 (MANE Select); coding-DNA position 2438, C replaced by T.
Protein change: p.Ala813Val; replaces alanine 813 with valine.
Molecular consequence: missense variant. On other transcripts: non-coding transcript variant (1).
Genome position (GRCh38, 1-based): chr8:22,207,379, C>T. VCF-style: chr8-22207379-C-T. GRCh37 (hg19) VCF-style: chr8-22064892-C-T.
Other names: c.2438C>T (NM_006129.4); short protein forms A813V.
Identifiers: ClinVar variation 1350714 (VCV001350714.7), dbSNP rs140902180, ClinGen allele CA4665248.